The following is an entry in ClinVar:

ClinVar aggregate classification (germline): Pathogenic (1 of 4 stars; one submission).

Conditions:
Osteogenesis imperfecta type I (OI1). Also called: Classic Non-deforming Osteogenesis Imperfecta with Blue Sclerae; Lobstein's Disease; Lobstein disease; OI, TYPE I; OSTEOGENESIS IMPERFECTA TARDA; OSTEOGENESIS IMPERFECTA WITH BLUE SCLERAE. Identifiers: Orphanet 216796, Orphanet 666, MedGen C0023931, MONDO:0008146, OMIM 166200. Disease mechanism: loss of function.

Submission:

Labcorp Genetics (formerly Invitae), Labcorp
Classification: Pathogenic for Osteogenesis imperfecta type I. Last evaluated: 2022-08-22. Review status: criteria provided, single submitter. Criteria: Invitae Variant Classification Sherloc (09022015). Collection method: clinical testing. Allele origin: germline.
Comment: For these reasons, this variant has been classified as Pathogenic. This variant disrupts the triple helix domain of COL1A1. Glycine residues within the Gly-Xaa-Yaa repeats of the triple helix domain are required for the structure and stability of fibrillar collagens (PMID: 7695699, 8218237, 19344236). In COL1A1, variants affecting these glycine residues are significantly enriched in individuals with disease (PMID: 9016532, 17078022) compared to the general population (ExAC). Advanced modeling of protein sequence and biophysical properties (such as structural, functional, and spatial information, amino acid conservation, physicochemical variation, residue mobility, and thermodynamic stability) performed at Invitae indicates that this missense variant is expected to disrupt COL1A1 protein function. ClinVar contains an entry for this variant (Variation ID: 1432099). This variant is also known as p.Gly127Ser. This missense change has been observed in individual(s) with osteogenesis imperfecta (PMID: 11317364, 30886339). This variant is not present in population databases (gnomAD no frequency). This sequence change replaces glycine, which is neutral and non-polar, with serine, which is neutral and polar, at codon 305 of the COL1A1 protein (p.Gly305Ser).

Literature cited by the submitters: PubMed 7695699; PubMed 8218237; PubMed 19344236; PubMed 9016532; PubMed 17078022; PubMed 11317364; PubMed 30886339.

NM_000088.4(COL1A1):c.913G>A (p.Gly305Ser)

Genes: COL1A1 (collagen type I alpha 1 chain; minus strand), LOC126862586 (CDK7 strongly-dependent group 2 enhancer GRCh37_chr17:48273702-48274901; plus strand). Cytogenetic location: 17q21.33.
Variant type: single nucleotide variant.
Coding change: c.913G>A on transcript NM_000088.4 (MANE Select); coding-DNA position 913, G replaced by A.
Protein change: p.Gly305Ser; replaces glycine 305 with serine.
Molecular consequence: missense variant.
Genome position (GRCh38, 1-based): chr17:50,196,358, C>T on the plus strand (G>A on the coding strand, the complement: COL1A1 is on the minus strand). VCF-style: chr17-50196358-C-T. GRCh37 (hg19) VCF-style: chr17-48273719-C-T.
Other names: short protein forms G305S.
Identifiers: ClinVar variation 1432099 (VCV001432099.8), dbSNP rs68062484, ClinGen allele CA291547228.